The following is an entry in ClinVar:

ClinVar aggregate classification (germline): Pathogenic. Review status: criteria provided, multiple submitters, no conflicts (2 of 4 stars). 2 submissions from 2 submitters: Pathogenic (2). Last evaluated 2024-11-18.

Conditions:
AVP-related disorder. Also called: AVP-related condition.

Submissions (2):

Labcorp Genetics (formerly Invitae), Labcorp
Classification: Pathogenic. Last evaluated: 2024-11-18. Review status: criteria provided, single submitter. Criteria: Invitae Variant Classification Sherloc (09022015). Collection method: clinical testing. Allele origin: germline.
Comment: This sequence change creates a premature translational stop signal (p.Glu108*) in the AVP gene. While this is not anticipated to result in nonsense mediated decay, it is expected to disrupt the last 57 amino acid(s) of the AVP protein. This variant is not present in population databases (gnomAD no frequency). This premature translational stop signal has been observed in individual(s) with clinical features of familial neurohypophyseal diabetes insipidus (PMID: 21498630, 25740874; internal data). In at least one individual the variant was observed to be de novo. Algorithms developed to predict the effect of sequence changes on RNA splicing suggest that this variant may disrupt the consensus splice site. For these reasons, this variant has been classified as Pathogenic.

Blueprint Genetics
Classification: Pathogenic for AVP-related disorders. Last evaluated: 2024-02-23. Review status: criteria provided, single submitter. Criteria: ACMG Guidelines, 2015. Collection method: clinical testing. Allele origin: germline. Affected: yes. Observed: 4 variant alleles.

Literature cited by the submitters: PubMed 21498630 (cited by Labcorp Genetics (formerly Invitae), Labcorp); PubMed 25740874 (cited by Labcorp Genetics (formerly Invitae), Labcorp).

NM_000490.5(AVP):c.322G>T (p.Glu108Ter)

Gene: AVP (arginine vasopressin; minus strand). Cytogenetic location: 20p13.
Variant type: single nucleotide variant.
Coding change: c.322G>T on transcript NM_000490.5 (MANE Select); coding-DNA position 322, G replaced by T.
Protein change: p.Glu108Ter; replaces glutamic acid 108 with a stop codon.
Molecular consequence: nonsense.
Genome position (GRCh38, 1-based): chr20:3,082,977, C>A on the plus strand (G>T on the coding strand, the complement: AVP is on the minus strand). VCF-style: chr20-3082977-C-A. GRCh37 (hg19) VCF-style: chr20-3063623-C-A.
Other names: short protein forms E108*.
Identifiers: ClinVar variation 3723686 (VCV003723686.3).